The following is an entry in ClinVar:

ClinVar aggregate classification (germline): Uncertain significance. Review status: criteria provided, multiple submitters, no conflicts (2 of 4 stars). 2 submissions from 2 submitters: Uncertain significance (2). Last evaluated 2025-05-27.

Conditions:
AFF4-related disorder. Also called: AFF4-related condition.
Cognitive impairment - coarse facies - heart defects - obesity - pulmonary involvement - short stature - skeletal dysplasia syndrome. Also called: COGNITIVE IMPAIRMENT, COARSE FACIES, HEART DEFECTS, OBESITY, PULMONARY INVOLVEMENT, SHORT STATURE, AND SKELETAL DYSPLASIA; Chops syndrome; AFF4-Related CHOPS Syndrome. Identifiers: Orphanet 444077, MedGen C4085597, MONDO:0014609, OMIM 616368.

gnomAD v4.1: 3 of 1,614,028 alleles (0.00019%); highest among the groups gnomAD compares: Admixed American, 0.0017%; no homozygotes.

Submissions (2):

PreventionGenetics, part of Exact Sciences
Classification: Uncertain significance for AFF4-related condition. Last evaluated: 2025-05-27. Review status: criteria provided, single submitter. Criteria: ACMG Guidelines, 2015. Collection method: clinical testing. Allele origin: germline.
Comment: The AFF4 c.1553C>A variant is predicted to result in the amino acid substitution p.Thr518Lys. To our knowledge, this variant has not been reported in the literature. This variant is reported in 0.0018% of alleles in individuals of European (Non-Finnish) descent in gnomAD. At this time, the clinical significance of this variant is uncertain due to the absence of conclusive functional and genetic evidence.

Labcorp Genetics (formerly Invitae), Labcorp
Classification: Uncertain significance for Cognitive impairment - coarse facies - heart defects - obesity - pulmonary involvement - short stature - skeletal dysplasia syndrome. Last evaluated: 2024-11-11. Review status: criteria provided, single submitter. Criteria: Invitae Variant Classification Sherloc (09022015). Collection method: clinical testing. Allele origin: germline.
Comment: This sequence change replaces threonine, which is neutral and polar, with lysine, which is basic and polar, at codon 518 of the AFF4 protein (p.Thr518Lys). This variant is present in population databases (rs748693344, gnomAD 0.002%). This variant has not been reported in the literature in individuals affected with AFF4-related conditions. Invitae Evidence Modeling of protein sequence and biophysical properties (such as structural, functional, and spatial information, amino acid conservation, physicochemical variation, residue mobility, and thermodynamic stability) indicates that this missense variant is not expected to disrupt AFF4 protein function with a negative predictive value of 80%. In summary, the available evidence is currently insufficient to determine the role of this variant in disease. Therefore, it has been classified as a Variant of Uncertain Significance.

NM_014423.4(AFF4):c.1553C>A (p.Thr518Lys)

Gene: AFF4 (ALF transcription elongation factor 4; minus strand). Cytogenetic location: 5q31.1.
Variant type: single nucleotide variant.
Coding change: c.1553C>A on transcript NM_014423.4 (MANE Select); coding-DNA position 1553, C replaced by A.
Protein change: p.Thr518Lys; replaces threonine 518 with lysine.
Molecular consequence: missense variant.
Genome position (GRCh38, 1-based): chr5:132,897,077, G>T on the plus strand (C>A on the coding strand, the complement: AFF4 is on the minus strand). VCF-style: chr5-132897077-G-T. GRCh37 (hg19) VCF-style: chr5-132232769-G-T.
Other names: short protein forms T518K.
Identifiers: ClinVar variation 3350882 (VCV003350882.4).